The following is an entry in ClinVar:

NM_006904.7(PRKDC):c.900G>C (p.Trp300Cys)

Gene: PRKDC (protein kinase, DNA-activated, catalytic subunit; minus strand). Cytogenetic location: 8q11.21.
Variant type: single nucleotide variant.
Coding change: c.900G>C on transcript NM_006904.7 (MANE Select); coding-DNA position 900, G replaced by C.
Protein change: p.Trp300Cys; replaces tryptophan 300 with cysteine.
Molecular consequence: missense variant.
Genome position (GRCh38, 1-based): chr8:47,943,275, C>G on the plus strand (G>C on the coding strand, the complement: PRKDC is on the minus strand). VCF-style: chr8-47943275-C-G. GRCh37 (hg19) VCF-style: chr8-48855835-C-G.
Other names: c.900G>C, p.Trp300Cys (NM_001081640.2); short protein forms W300C.
Identifiers: ClinVar variation 1063537 (VCV001063537.8), dbSNP rs2154504133, ClinGen allele CA371136127.

ClinVar aggregate classification (germline): Uncertain significance. Review status: criteria provided, multiple submitters, no conflicts (2 of 4 stars). 2 submissions from 2 submitters: Uncertain significance (2). Last evaluated 2021-12-08.

Conditions:
Severe combined immunodeficiency due to DNA-PKcs deficiency. Also called: Immunodeficiency 26 with or without neurologic abnormalities; IMMUNODEFICIENCY 26 WITH NEUROLOGIC ABNORMALITIES. Identifiers: Orphanet 317425, MedGen C4014833, MONDO:0014423, OMIM 615966.

gnomAD v4.1: 1 of 1,612,944 alleles (0.000062%); highest among the groups gnomAD compares: Middle Eastern, 0.016%; no homozygotes.

Submissions (2):

Labcorp Genetics (formerly Invitae), Labcorp
Classification: Uncertain significance for Severe combined immunodeficiency due to DNA-PKcs deficiency. Last evaluated: 2021-12-08. Review status: criteria provided, single submitter. Criteria: Invitae Variant Classification Sherloc (09022015). Collection method: clinical testing. Allele origin: germline.
Comment: This sequence change replaces tryptophan, which is neutral and slightly polar, with cysteine, which is neutral and slightly polar, at codon 300 of the PRKDC protein (p.Trp300Cys). This variant is not present in population databases (gnomAD no frequency). This variant has not been reported in the literature in individuals affected with PRKDC-related conditions. ClinVar contains an entry for this variant (Variation ID: 1063537). Experimental studies and prediction algorithms are not available or were not evaluated, and the functional significance of this variant is currently unknown. In summary, the available evidence is currently insufficient to determine the role of this variant in disease. Therefore, it has been classified as a Variant of Uncertain Significance.

Breakthrough Genomics
Classification: Uncertain significance. Review status: criteria provided, single submitter. Criteria: ACMG Guidelines, 2015. Collection method: not provided. Allele origin: germline. Inheritance: Autosomal recessive inheritance. Affected: yes.